The following is an entry in ClinVar:

ClinVar aggregate classification (germline): Benign (1 of 4 stars; one submission).

Allele frequency attached by ClinVar (database versions not stated): gnomAD 0.64484; 1000 Genomes Project 30x 0.69363; gnomAD exomes 0.21429; 1000 Genomes Project 0.67951; TOPMed 0.68168.

Submission:

GeneDx
Classification: Benign. Last evaluated: 2018-06-20. Review status: criteria provided, single submitter. Criteria: GeneDx Variant Classification (06012015). Collection method: clinical testing. Allele origin: germline. Affected: yes.
Comment: This variant is considered likely benign or benign based on one or more of the following criteria: it is a conservative change, it occurs at a poorly conserved position in the protein, it is predicted to be benign by multiple in silico algorithms, and/or has population frequency not consistent with disease.

NM_021625.4(TRPV4):c.-228T>C

Gene: TRPV4 (transient receptor potential cation channel subfamily V member 4; minus strand). Cytogenetic location: 12q24.11.
Variant type: single nucleotide variant.
Coding change: c.-228T>C on transcript NM_021625.4; 228 bases upstream of the start codon, T replaced by C.
Genome position (GRCh38, 1-based): chr12:109,833,546, A>G on the plus strand (T>C on the coding strand, the complement: TRPV4 is on the minus strand). VCF-style: chr12-109833546-A-G. GRCh37 (hg19) VCF-style: chr12-110271351-A-G.
Identifiers: ClinVar variation 670247 (VCV000670247.3), dbSNP rs7303725, ClinGen allele CA13632301.
Genomic context (GRCh38, chr12:109,833,546, plus strand): 5'-CCCGCCCACCCGCCGGCTCGCGGACCCCGCCGAGCGCAGGCCCTAGAAGGGGCGGCCCCT[A>G]CTCGCACCCCGCCCGCCCAGCGAGGGCCTCCCCTGCGGGGGAGGTGCAGGGCCAGGGCCT-3'